The following is an entry in ClinVar:

NM_001039213.4(CEACAM16):c.117G>A (p.Leu39=)

Genes: CEACAM16 (CEA cell adhesion molecule 16, tectorial membrane component; plus strand), CEACAM16-AS1 (CEACAM16, CEACAM19 and PVR antisense RNA 1; minus strand). Cytogenetic location: 19q13.32.
Variant type: single nucleotide variant.
Coding change: c.117G>A on transcript NM_001039213.4 (MANE Select); coding-DNA position 117, G replaced by A.
Protein change: p.Leu39=; no amino-acid change (leucine 39 retained).
Molecular consequence: synonymous variant.
Genome position (GRCh38, 1-based): chr19:44,703,428, G>A. VCF-style: chr19-44703428-G-A. GRCh37 (hg19) VCF-style: chr19-45206698-G-A.
Identifiers: ClinVar variation 3899644 (VCV003899644.1).

ClinVar aggregate classification (germline): Uncertain significance (1 of 4 stars; one submission).

gnomAD v4.1: 8 of 1,613,722 alleles (0.0005%); highest among the groups gnomAD compares: Admixed American, 0.0083%; no homozygotes.

Submission:

GeneDx
Classification: Uncertain significance. Last evaluated: 2024-11-15. Review status: criteria provided, single submitter. Criteria: GeneDx Variant Classification Process June 2021. Collection method: clinical testing. Allele origin: germline. Affected: yes.
Comment: Not observed at significant frequency in large population cohorts (gnomAD); In silico analysis indicates that this variant does not alter splicing; Has not been previously published as pathogenic or benign to our knowledge